The following is an entry in ClinVar:

NM_001267550.2(TTN):c.107774C>A (p.Thr35925Asn)

Genes: TTN-AS1 (TTN antisense RNA 1; plus strand), TTN (titin; minus strand). Cytogenetic location: 2q31.2.
Variant type: single nucleotide variant.
Coding change: c.107774C>A on transcript NM_001267550.2 (MANE Select); coding-DNA position 107774, C replaced by A.
Protein change: p.Thr35925Asn; replaces threonine 35925 with asparagine.
Molecular consequence: missense variant.
Genome position (GRCh38, 1-based): chr2:178,527,214, G>T on the plus strand (C>A on the coding strand, the complement: TTN is on the minus strand). VCF-style: chr2-178527214-G-T. GRCh37 (hg19) VCF-style: chr2-179391941-G-T.
Other names: c.102851C>A, p.Thr34284Asn (NM_001256850.1); c.80579C>A, p.Thr26860Asn (NM_003319.4); c.100070C>A, p.Thr33357Asn (NM_133378.4); c.80954C>A, p.Thr26985Asn (NM_133432.3); c.81155C>A, p.Thr27052Asn (NM_133437.4); short protein forms T35925N, T26985N, T33357N, T26860N, T34284N, T27052N.
Identifiers: ClinVar variation 466771 (VCV000466771.7), dbSNP rs755111765, ClinGen allele CA349399212.

ClinVar aggregate classification (germline): Uncertain significance (1 of 4 stars; one submission).

Conditions:
Autosomal recessive limb-girdle muscular dystrophy type 2J (LGMDR10). Also called: Limb-girdle muscular dystrophy, type 2J; MUSCULAR DYSTROPHY, LIMB-GIRDLE, AUTOSOMAL RECESSIVE 10. Identifiers: Orphanet 140922, MedGen C1837342, MONDO:0012127, OMIM 608807.
Dilated cardiomyopathy 1G (CMD1G). Identifiers: Orphanet 154, MedGen C1858763, MONDO:0011400, OMIM 604145.

Submission:

Labcorp Genetics (formerly Invitae), Labcorp
Classification: Uncertain significance for Dilated cardiomyopathy 1G; Autosomal recessive limb-girdle muscular dystrophy type 2J. Last evaluated: 2017-03-16. Review status: criteria provided, single submitter. Criteria: Invitae Variant Classification Sherloc (09022015). Collection method: clinical testing. Allele origin: germline.
Comment: This variant identified in the TTN gene is located in the M band of the resulting protein (PMID: 25589632). It is unclear how this variant impacts the function of this protein. In summary, this variant is a novel missense change with unknown impact on protein function. Missense variants in this region of the TTN gene are typically not causative for cardiac disease, but may be relevant for neuromuscular disorders. However, the available evidence is currently insufficient to determine this variant’s role in disease. Therefore, it has been classified as a Variant of Uncertain Significance. This sequence change replaces threonine with asparagine at codon 35925 of the TTN protein (p.Thr35925Asn). There is a small physicochemical difference between threonine and asparagine. Algorithms developed to predict the effect of missense changes on protein structure and function are unavailable for the TTN gene. This variant is not present in population databases (ExAC no frequency) and has not been reported in the literature in individuals with a TTN-related disease.

Literature cited by the submitters: PubMed 25589632.